The following is an entry in ClinVar:

NM_002635.4(SLC25A3):c.757C>T (p.Arg253Cys)

Gene: SLC25A3 (solute carrier family 25 member 3; plus strand). Cytogenetic location: 12q23.1.
Variant type: single nucleotide variant.
Coding change: c.757C>T on transcript NM_002635.4 (MANE Select); coding-DNA position 757, C replaced by T.
Protein change: p.Arg253Cys; replaces arginine 253 with cysteine.
Molecular consequence: missense variant.
Genome position (GRCh38, 1-based): chr12:98,600,070, C>T. VCF-style: chr12-98600070-C-T. GRCh37 (hg19) VCF-style: chr12-98993848-C-T.
Other names: c.760C>T, p.Arg254Cys (NM_005888.4); c.757C>T, p.Arg253Cys (NM_213611.3); short protein forms R253C, R254C.
Identifiers: ClinVar variation 1968293 (VCV001968293.5), dbSNP rs370953752, ClinGen allele CA6733107.
Genomic context (GRCh38, chr12:98,600,070, plus strand): 5'-AAGTTCGCCTGCTTTGAACGTACTGTTGAAGCACTGTACAAGTTTGTGGTTCCTAAGCCC[C>T]GCAGTGAATGTTCAAAGCCAGAGCAGCTGGTTGTAACATTTGTAGCAGGTTACATAGGTA-3'
Protein context (NP_002626.1, residues 243-263): ALYKFVVPKP[Arg253Cys]SECSKPEQLV

ClinVar aggregate classification (germline): Uncertain significance. Review status: criteria provided, multiple submitters, no conflicts (2 of 4 stars). 2 submissions from 2 submitters: Uncertain significance (2). Last evaluated 2025-12-16.

Allele frequency attached by ClinVar (database versions not stated): ESP Exome Variant Server 0.00015; ExAC 0.00007; gnomAD 0.00007.

Submissions (2):

Ambry Genetics
Classification: Uncertain significance. Last evaluated: 2025-12-16. Review status: criteria provided, single submitter. Criteria: Ambry Variant Classification Scheme 2023. Collection method: clinical testing. Allele origin: germline.
Comment: The c.760C>T (p.R254C) alteration is located in exon 6 (coding exon 5) of the SLC25A3 gene. This alteration results from a C to T substitution at nucleotide position 760, causing the arginine (R) at amino acid position 254 to be replaced by a cysteine (C). Based on data from gnomAD, the T allele has an overall frequency of 0.005% (13/282884) total alleles studied. The highest observed frequency was 0.01% (1/10370) of Ashkenazi Jewish alleles. Based on insufficient or conflicting evidence, the clinical significance of this alteration remains unclear.

Labcorp Genetics (formerly Invitae), Labcorp
Classification: Uncertain significance. Last evaluated: 2023-10-09. Review status: criteria provided, single submitter. Criteria: Invitae Variant Classification Sherloc (09022015). Collection method: clinical testing. Allele origin: germline.
Comment: This sequence change replaces arginine, which is basic and polar, with cysteine, which is neutral and slightly polar, at codon 254 of the SLC25A3 protein (p.Arg254Cys). This variant is present in population databases (rs370953752, gnomAD 0.01%). This variant has not been reported in the literature in individuals affected with SLC25A3-related conditions. ClinVar contains an entry for this variant (Variation ID: 1968293). An algorithm developed to predict the effect of missense changes on protein structure and function (PolyPhen-2) suggests that this variant¬†is likely to be tolerated. In summary, the available evidence is currently insufficient to determine the role of this variant in disease. Therefore, it has been classified as a Variant of Uncertain Significance.